The following is an entry in ClinVar:

ClinVar aggregate classification (germline): Uncertain significance (1 of 4 stars; one submission).

Conditions:
Dyskeratosis congenita. Identifiers: Orphanet 1775, MedGen C0265965, MONDO:0015780.

Submission:

Labcorp Genetics (formerly Invitae), Labcorp
Classification: Uncertain significance for Dyskeratosis congenita. Last evaluated: 2022-04-02. Review status: criteria provided, single submitter. Criteria: Invitae Variant Classification Sherloc (09022015). Collection method: clinical testing. Allele origin: germline.
Comment: Algorithms developed to predict the effect of missense changes on protein structure and function are either unavailable or do not agree on the potential impact of this missense change (SIFT: "Deleterious"; PolyPhen-2: "Probably Damaging"; Align-GVGD: "Class C0"). This variant has not been reported in the literature in individuals affected with NHP2-related conditions. In summary, the available evidence is currently insufficient to determine the role of this variant in disease. Therefore, it has been classified as a Variant of Uncertain Significance. This variant is not present in population databases (gnomAD no frequency). This sequence change replaces glycine, which is neutral and non-polar, with arginine, which is basic and polar, at codon 74 of the NHP2 protein (p.Gly74Arg).

NM_017838.4(NHP2):c.220G>A (p.Gly74Arg)

Gene: NHP2 (NHP2 ribonucleoprotein; minus strand). Cytogenetic location: 5q35.3.
Variant type: single nucleotide variant.
Coding change: c.220G>A on transcript NM_017838.4 (MANE Select); coding-DNA position 220, G replaced by A.
Protein change: p.Gly74Arg; replaces glycine 74 with arginine.
Molecular consequence: missense variant.
Genome position (GRCh38, 1-based): chr5:178,153,501, C>T on the plus strand (G>A on the coding strand, the complement: NHP2 is on the minus strand). VCF-style: chr5-178153501-C-T. GRCh37 (hg19) VCF-style: chr5-177580502-C-T.
Other names: c.220G>A, p.Gly74Arg (NM_001034833.2, NM_001396110.1); short protein forms G74R.
Identifiers: ClinVar variation 1980982 (VCV001980982.4), dbSNP rs2480690952, ClinGen allele CA362392334.